The following is an entry in ClinVar:

ClinVar aggregate classification (germline): Uncertain significance (1 of 4 stars; one submission).

Conditions:
Arrhythmogenic right ventricular cardiomyopathy (ARVD). Also called: Arrhythmogenic right ventricular dysplasia; Cardiomyopathy, ARVC; Arrhythmogenic cardiomyopathy; Arrhythmogenic Right Ventricular Cardiomyopathy (ARVC). Identifiers: Orphanet 247, MedGen C0349788, MeSH D019571, MONDO:0016587. Disease mechanism: loss of function. Inheritance: Various modes of inheritance.

gnomAD v4.1: 2 of 1,613,726 alleles (0.00012%); highest among the groups gnomAD compares: African/African-American, 0.0013%; no homozygotes.

Submission:

All of Us Research Program, National Institutes of Health
Classification: Uncertain significance for Arrhythmogenic right ventricular cardiomyopathy. Last evaluated: 2024-03-24. Review status: criteria provided, single submitter. Criteria: ACMG Guidelines, 2015. Collection method: clinical testing. Allele origin: germline. Inheritance: Autosomal dominant inheritance. Observed: 1 variant allele, 1 heterozygote.
Comment: This missense variant replaces lysine with glutamic acid at codon 835 of the PKP2 protein. Computational prediction suggests that this variant may not impact protein structure and function (internally defined REVEL score threshold <= 0.5, PMID: 27666373). To our knowledge, functional studies have not been reported for this variant. This variant has not been reported in individuals affected with PKP2-related disorders in the literature. This variant has not been identified in the general population by the Genome Aggregation Database (gnomAD). The available evidence is insufficient to determine the role of this variant in disease conclusively. Therefore, this variant is classified as a Variant of Uncertain Significance.

This study involves interpretation of variants in research participants for the purpose of population health screening. Participant phenotype was not available at the time of variant classification. Additional details can be found in publication PMID: 35346344, PMCID: PMC8962531

NM_001005242.3(PKP2):c.2371A>G (p.Lys791Glu)

Gene: PKP2 (plakophilin 2; minus strand). Cytogenetic location: 12p11.21.
Variant type: single nucleotide variant.
Coding change: c.2371A>G on transcript NM_001005242.3 (MANE Select); coding-DNA position 2371, A replaced by G.
Protein change: p.Lys791Glu; replaces lysine 791 with glutamic acid.
Molecular consequence: missense variant. On other transcripts: synonymous variant (2).
Genome position (GRCh38, 1-based): chr12:32,792,718, T>C on the plus strand (A>G on the coding strand, the complement: PKP2 is on the minus strand). VCF-style: chr12-32792718-T-C. GRCh37 (hg19) VCF-style: chr12-32945652-T-C.
Other names: c.2181A>G, p.Thr727= (NM_001407155.1); c.2206A>G, p.Lys736Glu (NM_001407156.1); c.2044A>G, p.Lys682Glu (NM_001407158.1, NM_001407159.1); c.1854A>G, p.Thr618= (NM_001407160.1); c.2503A>G, p.Lys835Glu (NM_004572.4); short protein forms K682E, K736E, K791E, K835E.
Identifiers: ClinVar variation 3387463 (VCV003387463.1).
Genomic context (GRCh38, chr12:32,792,718, plus strand): 5'-GATGCAGTTCCGTGTGTGCCCACAGAGAATACAGAAGGACGGAAGCAGCTTTACTTGCTT[T>C]GTTGGAGGCATAGCTGAAAAGAAAAGGACATTCTGAGATCAGGGAGAATGAGTGAGGCTT-3'
Protein context (NP_001005242.2, residues 781-801): ISAGDAYASN[Lys791Glu]ASKAASVLLY